The following is an entry in ClinVar:

NM_001853.4(COL9A3):c.1378G>A (p.Gly460Ser)

Genes: COL9A3 (collagen type IX alpha 3 chain; plus strand), LOC126863084 (MED14-independent group 3 enhancer GRCh37_chr20:61467141-61468340; plus strand). Cytogenetic location: 20q13.33.
Variant type: single nucleotide variant.
Coding change: c.1378G>A on transcript NM_001853.4 (MANE Select); coding-DNA position 1378, G replaced by A.
Protein change: p.Gly460Ser; replaces glycine 460 with serine.
Molecular consequence: missense variant.
Genome position (GRCh38, 1-based): chr20:62,835,930, G>A. VCF-style: chr20-62835930-G-A. GRCh37 (hg19) VCF-style: chr20-61467282-G-A.
Other names: c.1378G>A, p.Gly460Ser (LRG_1253t1); short protein forms G460S.
Identifiers: ClinVar variation 546902 (VCV000546902.56), dbSNP rs148610956, ClinGen allele CA9949935.
Genomic context (GRCh38, chr20:62,835,930, plus strand): 5'-CACCCACCCAACAATACACTTAGTTCAAACACACAACTTTTCTCTTCACAGGGTCCCAGC[G>A]GCCTGGTCGGACCCAAAGGAGAGGTGAGTGCCCGGCGACTGTTCCGATGACACCATCCAT-3'
Protein context (NP_001844.3, residues 450-470): PGDKGELGPS[Gly460Ser]LVGPKGESGS

ClinVar aggregate classification (germline): Uncertain significance. Review status: criteria provided, multiple submitters, no conflicts (2 of 4 stars). 4 submissions from 4 submitters: Uncertain significance (4). Last evaluated 2026-01-24.

Allele frequency attached by ClinVar (database versions not stated): ExAC 0.00009; gnomAD exomes 0.00010; TOPMed 0.00010; gnomAD 0.00014; 1000 Genomes Project 0.00020; 1000 Genomes Project 30x 0.00031; ESP Exome Variant Server 0.00038.
gnomAD v4.1: 154 of 1,614,176 alleles (0.0095%); highest among the groups gnomAD compares: Admixed American, 0.02%; no homozygotes.

Submissions (4):

Labcorp Genetics (formerly Invitae), Labcorp
Classification: Uncertain significance. Last evaluated: 2026-01-24. Review status: criteria provided, single submitter. Criteria: Invitae Variant Classification Sherloc (09022015). Collection method: clinical testing. Allele origin: germline.
Comment: This sequence change replaces glycine, which is neutral and non-polar, with serine, which is neutral and polar, at codon 460 of the COL9A3 protein (p.Gly460Ser). This variant is present in population databases (rs148610956, gnomAD 0.02%). This variant has not been reported in the literature in individuals affected with COL9A3-related conditions. ClinVar contains an entry for this variant (Variation ID: 546902). Invitae Evidence Modeling of protein sequence and biophysical properties (such as structural, functional, and spatial information, amino acid conservation, physicochemical variation, residue mobility, and thermodynamic stability) indicates that this missense variant is expected to disrupt COL9A3 protein function with a positive predictive value of 95%. In summary, the available evidence is currently insufficient to determine the role of this variant in disease. Therefore, it has been classified as a Variant of Uncertain Significance.

GeneDx
Classification: Uncertain significance. Last evaluated: 2024-05-17. Review status: criteria provided, single submitter. Criteria: GeneDx Variant Classification Process June 2021. Collection method: clinical testing. Allele origin: germline. Affected: yes.
Comment: Identified in a patient with hearing loss and myopathy, who also had a homozogyous STRC gene deletion (PMID: 35052694); In silico analysis supports that this missense variant has a deleterious effect on protein structure/function; This variant is associated with the following publications: (PMID: 35052694)

Eurofins Ntd Llc (ga)
Classification: Uncertain significance. Last evaluated: 2018-08-22. Review status: criteria provided, single submitter. Criteria: EGL ClinVar v180209 classification definitions. Collection method: clinical testing. Allele origin: germline. Observed: 1 variant allele, 1 heterozygote.

CeGaT Center for Human Genetics Tuebingen
Classification: Uncertain significance. Last evaluated: 2018-02-01. Review status: criteria provided, single submitter. Criteria: CeGaT Center For Human Genetics Tuebingen Variant Classification Criteria Version 2. Collection method: clinical testing. Allele origin: germline. Affected: yes. Observed: 1 variant allele.